The following is an entry in ClinVar:

ClinVar aggregate classification (germline): Uncertain significance (1 of 4 stars; one submission).

Submission:

Labcorp Genetics (formerly Invitae), Labcorp
Classification: Uncertain significance. Last evaluated: 2021-12-02. Review status: criteria provided, single submitter. Criteria: Invitae Variant Classification Sherloc (09022015). Collection method: clinical testing. Allele origin: germline.
Comment: In summary, the available evidence is currently insufficient to determine the role of this variant in disease. Therefore, it has been classified as a Variant of Uncertain Significance. Algorithms developed to predict the effect of missense changes on protein structure and function are either unavailable or do not agree on the potential impact of this missense change (SIFT: "Not Available"; PolyPhen-2: "Possibly Damaging"; Align-GVGD: "Not Available"). This variant has not been reported in the literature in individuals affected with TRAPPC9-related conditions. Information on the frequency of this variant in the gnomAD database is not available, as this variant may be reported differently in the database. This sequence change replaces threonine with tyrosine at codon 781 of the TRAPPC9 protein (p.Thr781Tyr). The threonine residue is moderately conserved and there is a moderate physicochemical difference between threonine and tyrosine.

NM_001160372.4(TRAPPC9):c.2047_2048delinsTA (p.Thr683Tyr)

Gene: TRAPPC9 (trafficking protein particle complex subunit 9; minus strand). Cytogenetic location: 8q24.3.
Variant type: Indel.
Coding change: c.2047_2048delinsTA on transcript NM_001160372.4 (MANE Select); coding-DNA positions 2047 to 2048, AC replaced by TA.
Protein change: p.Thr683Tyr; replaces threonine 683 with tyrosine.
Molecular consequence: missense variant. On other transcripts: non-coding transcript variant (1).
Genome position (GRCh38, 1-based): chr8:140,283,955-140,283,956, GT replaced by TA on the plus strand (AC replaced by TA on the coding strand, the reverse complement: TRAPPC9 is on the minus strand). VCF-style: chr8-140283955-GT-TA. GRCh37 (hg19) VCF-style: chr8-141294054-GT-TA.
Other names: c.1903_1904delinsTA, p.Thr635Tyr (NM_001374684.1); c.2020_2021delinsTA, p.Thr674Tyr (NM_001321646.2); c.2047_2048delinsTA, p.Thr683Tyr (NM_031466.8, NM_001374683.1); c.2068_2069delinsTA, p.Thr690Tyr (NM_001374682.1); short protein forms T635Y, T674Y, T683Y, T690Y.
Identifiers: ClinVar variation 1351463 (VCV001351463.6), dbSNP rs2131713955, ClinGen allele CA2573142875.